The following is an entry in ClinVar:

NM_032130.3(FAM186B):c.1922C>T (p.Ser641Phe)

Gene: FAM186B (family with sequence similarity 186 member B; minus strand). Cytogenetic location: 12q13.12.
Variant type: single nucleotide variant.
Coding change: c.1922C>T on transcript NM_032130.3 (MANE Select); coding-DNA position 1922, C replaced by T.
Protein change: p.Ser641Phe; replaces serine 641 with phenylalanine.
Molecular consequence: missense variant. On other transcripts: non-coding transcript variant (1).
Genome position (GRCh38, 1-based): chr12:49,599,718, G>A on the plus strand (C>T on the coding strand, the complement: FAM186B is on the minus strand). VCF-style: chr12-49599718-G-A. GRCh37 (hg19) VCF-style: chr12-49993501-G-A.
Other names: short protein forms S641F.
Identifiers: ClinVar variation 2909342 (VCV002909342.3), dbSNP rs1176835274, ClinGen allele CA384711499.

ClinVar aggregate classification (germline): Uncertain significance (1 of 4 stars; one submission).

Allele frequency attached by ClinVar (database versions not stated): gnomAD exomes 0.00001; TOPMed 0.00001.
gnomAD v4.1: 6 of 1,613,776 alleles (0.00037%); highest among the groups gnomAD compares: Non-Finnish European, 0.00051%; no homozygotes.

Submission:

Labcorp Genetics (formerly Invitae), Labcorp
Classification: Uncertain significance. Last evaluated: 2023-12-28. Review status: criteria provided, single submitter. Criteria: Invitae Variant Classification Sherloc (09022015). Collection method: clinical testing. Allele origin: germline.
Comment: This sequence change replaces serine, which is neutral and polar, with phenylalanine, which is neutral and non-polar, at codon 641 of the FAM186B protein (p.Ser641Phe). This variant is not present in population databases (gnomAD no frequency). This variant has not been reported in the literature in individuals affected with FAM186B-related conditions. Algorithms developed to predict the effect of missense changes on protein structure and function output the following: SIFT: "Not Available"; PolyPhen-2: "Benign"; Align-GVGD: "Not Available". The phenylalanine amino acid residue is found in multiple mammalian species, which suggests that this missense change does not adversely affect protein function. In summary, the available evidence is currently insufficient to determine the role of this variant in disease. Therefore, it has been classified as a Variant of Uncertain Significance.